The following is an entry in ClinVar:

NM_005591.4(MRE11):c.681C>G (p.Asn227Lys)

Gene: MRE11 (MRE11 double strand break repair nuclease; minus strand). Cytogenetic location: 11q21.
Variant type: single nucleotide variant.
Coding change: c.681C>G on transcript NM_005591.4 (MANE Select); coding-DNA position 681, C replaced by G.
Protein change: p.Asn227Lys; replaces asparagine 227 with lysine.
Molecular consequence: missense variant.
Genome position (GRCh38, 1-based): chr11:94,471,738, G>C on the plus strand (C>G on the coding strand, the complement: MRE11 is on the minus strand). VCF-style: chr11-94471738-G-C. GRCh37 (hg19) VCF-style: chr11-94204904-G-C.
Other names: c.681C>G, p.Asn227Lys (NM_001330347.2, NM_005590.4); short protein forms N227K.
Identifiers: ClinVar variation 479733 (VCV000479733.13), dbSNP rs1490100562, ClinGen allele CA382375922.
Genomic context (GRCh38, chr11:94,471,738, plus strand): 5'-ATGTTCATGGCCCCAGATAACAAGATCAATGAAGTCATCCAAAAATTGTTCTGGAATGAA[G>C]TTAGTACTTCCATGTTTACTCCTGTATCAAGATTTTGAAAAATATAAATTCGGTGATTAG-3'
Protein context (NP_005582.1, residues 217-237): HQNRSKHGST[Asn227Lys]FIPEQFLDDF

ClinVar aggregate classification (germline): Uncertain significance. Review status: criteria provided, multiple submitters, no conflicts (2 of 4 stars). 2 submissions from 2 submitters: Uncertain significance (2). Last evaluated 2024-10-22.

Conditions:
Ataxia-telangiectasia-like disorder (ATLD). Identifiers: MedGen C1858391, MONDO:0011457.
Hereditary cancer-predisposing syndrome. Also called: Hereditary Cancer Syndrome; Neoplastic Syndromes, Hereditary; Tumor predisposition; Hereditary neoplastic syndrome. Identifiers: Orphanet 140162, MedGen C0027672, MeSH D009386, MONDO:0015356.

Allele frequency attached by ClinVar (database versions not stated): gnomAD exomes 0.00002; TOPMed 0.00002.
gnomAD v4.1: 10 of 1,611,746 alleles (0.00062%); highest among the groups gnomAD compares: East Asian, 0.02%; no homozygotes.

Submissions (2):

Labcorp Genetics (formerly Invitae), Labcorp
Classification: Uncertain significance for Ataxia-telangiectasia-like disorder. Last evaluated: 2024-10-22. Review status: criteria provided, single submitter. Criteria: Invitae Variant Classification Sherloc (09022015). Collection method: clinical testing. Allele origin: germline.
Comment: This sequence change replaces asparagine, which is neutral and polar, with lysine, which is basic and polar, at codon 227 of the MRE11 protein (p.Asn227Lys). This variant is present in population databases (no rsID available, gnomAD 0.03%). This variant has not been reported in the literature in individuals affected with MRE11-related conditions. ClinVar contains an entry for this variant (Variation ID: 479733). An algorithm developed to predict the effect of missense changes on protein structure and function (PolyPhen-2) suggests that this variant is likely to be disruptive. In summary, the available evidence is currently insufficient to determine the role of this variant in disease. Therefore, it has been classified as a Variant of Uncertain Significance.

Ambry Genetics
Classification: Uncertain significance for Hereditary cancer-predisposing syndrome. Last evaluated: 2024-08-28. Review status: criteria provided, single submitter. Criteria: Ambry Variant Classification Scheme 2023. Collection method: clinical testing. Allele origin: germline.
Comment: The p.N227K variant (also known as c.681C>G), located in coding exon 7 of the MRE11A gene, results from a C to G substitution at nucleotide position 681. The asparagine at codon 227 is replaced by lysine, an amino acid with similar properties. This amino acid position is highly conserved in available vertebrate species. In addition, the in silico prediction for this alteration is inconclusive. Based on the available evidence, the clinical significance of this variant remains unclear.